The following is an entry in ClinVar:

NM_001613.4(ACTA2):c.36T>A (p.Cys12Ter)

Gene: ACTA2 (actin alpha 2, smooth muscle; minus strand). Cytogenetic location: 10q23.31.
Variant type: single nucleotide variant.
Coding change: c.36T>A on transcript NM_001613.4 (MANE Select); coding-DNA position 36, T replaced by A.
Protein change: p.Cys12Ter; replaces cysteine 12 with a stop codon.
Molecular consequence: nonsense.
Genome position (GRCh38, 1-based): chr10:88,948,895, A>T on the plus strand (T>A on the coding strand, the complement: ACTA2 is on the minus strand). VCF-style: chr10-88948895-A-T. GRCh37 (hg19) VCF-style: chr10-90708652-A-T.
Other names: c.36T>A, p.Cys12Ter (NM_001141945.3, NM_001320855.2, NM_001406462.1 and 7 more transcripts); short protein forms C12*.
Identifiers: ClinVar variation 2743726 (VCV002743726.3), dbSNP rs1589400454, ClinGen allele CA377513780.

ClinVar aggregate classification (germline): Uncertain significance (1 of 4 stars; one submission).

Conditions:
Aortic aneurysm, familial thoracic 6 (AAT6). Also called: FAMILIAL THORACIC AORTIC ANEURYSM WITH LIVEDO RETICULARIS AND IRIS FLOCCULI. Identifiers: MedGen C2673186, MONDO:0012730, OMIM 611788.

Submission:

Labcorp Genetics (formerly Invitae), Labcorp
Classification: Uncertain significance for Aortic aneurysm, familial thoracic 6. Last evaluated: 2023-11-10. Review status: criteria provided, single submitter. Criteria: Invitae Variant Classification Sherloc (09022015). Collection method: clinical testing. Allele origin: germline.
Comment: This sequence change creates a premature translational stop signal (p.Cys12*) in the ACTA2 gene. It is expected to result in an absent or disrupted protein product. However, the current clinical and genetic evidence is not sufficient to establish whether loss-of-function variants in ACTA2 cause disease. This variant is not present in population databases (gnomAD no frequency). This premature translational stop signal has been observed in individual(s) with thoracic aortic aneurysm and/or dissection (Invitae). It has also been observed to segregate with disease in related individuals. In summary, the available evidence is currently insufficient to determine the role of this variant in disease. Therefore, it has been classified as a Variant of Uncertain Significance.